The following is an entry in ClinVar:

ClinVar aggregate classification (germline): Benign (1 of 4 stars; one submission).

Submission:

CeGaT Center for Human Genetics Tuebingen
Classification: Benign. Last evaluated: 2024-09-01. Review status: criteria provided, single submitter. Criteria: CeGaT Center For Human Genetics Tuebingen Variant Classification Criteria Version 2. Collection method: clinical testing. Allele origin: germline. Affected: yes. Observed: 1 variant allele.
Comment: DYNC1H1: PP2, BS1, BS2

NM_001376.5(DYNC1H1):c.10909-903C>T

Gene: DYNC1H1 (dynein cytoplasmic 1 heavy chain 1; plus strand). Cytogenetic location: 14q32.31.
Variant type: single nucleotide variant.
Coding change: c.10909-903C>T on transcript NM_001376.5 (MANE Select); 903 bases into the intron before coding-DNA position 10909, C replaced by T.
Molecular consequence: intron variant.
Genome position (GRCh38, 1-based): chr14:102,037,557, C>T. VCF-style: chr14-102037557-C-T. GRCh37 (hg19) VCF-style: chr14-102503894-C-T.
Identifiers: ClinVar variation 3389484 (VCV003389484.14).
Genomic context (GRCh38, chr14:102,037,557, plus strand): 5'-ATGGATGGAGCTGGAGGCCATTATCCTCAGCAAACTCATGCAGGAGCAGAAAACCAAGTA[C>T]CAGATGTTCTCACTTAGAAGTGGGAGCTAAATGATGAGAACACATGGACACACAGAGGAA-3'